The following is an entry in ClinVar:

ClinVar aggregate classification (germline): Pathogenic. Review status: criteria provided, multiple submitters, no conflicts (2 of 4 stars). 2 submissions from 2 submitters: Pathogenic (2). Last evaluated 2024-01-24.

Conditions:
Hereditary cancer-predisposing syndrome. Also called: Hereditary Cancer Syndrome; Hereditary neoplastic syndrome; Neoplastic Syndromes, Hereditary; Tumor predisposition. Identifiers: Orphanet 140162, MedGen C0027672, MeSH D009386, MONDO:0015356.
Familial cancer of breast. Also called: Hereditary breast cancer; BREAST CANCER, FAMILIAL; hereditary breast carcinoma. Identifiers: Orphanet 227535, MedGen C0346153, MONDO:0016419, OMIM 114480. Disease mechanism: loss of function.

Allele frequency attached by ClinVar (database versions not stated): gnomAD exomes below 0.00001.
gnomAD v4.1: 1 of 1,613,584 alleles (0.000062%); highest among the groups gnomAD compares: Non-Finnish European, 0.000085%; no homozygotes.

Submissions (2):

Myriad Genetics, Inc.
Classification: Pathogenic for Familial cancer of breast. Last evaluated: 2024-01-24. Review status: criteria provided, single submitter. Criteria: Myriad Autosomal Dominant, Autosomal Recessive and X-Linked Classification Criteria (2023). Collection method: clinical testing. Allele origin: unknown.
Comment: This variant is considered pathogenic. This variant creates a termination codon and is predicted to result in premature protein truncation.

Ambry Genetics
Classification: Pathogenic for Hereditary cancer-predisposing syndrome. Last evaluated: 2020-09-30. Review status: criteria provided, single submitter. Criteria: Ambry Variant Classification Scheme 2023. Collection method: clinical testing. Allele origin: germline.
Comment: The p.Q1500* pathogenic mutation (also known as c.4498C>T), located in coding exon 29 of the ATM gene, results from a C to T substitution at nucleotide position 4498. This changes the amino acid from a glutamine to a stop codon within coding exon 29. This alteration is expected to result in loss of function by premature protein truncation or nonsense-mediated mRNA decay. As such, this alteration is interpreted as a disease-causing mutation.

NM_000051.4(ATM):c.4498C>T (p.Gln1500Ter)

Gene: ATM (ATM serine/threonine kinase; plus strand). Cytogenetic location: 11q22.3.
Variant type: single nucleotide variant.
Coding change: c.4498C>T on transcript NM_000051.4 (MANE Select); coding-DNA position 4498, C replaced by T.
Protein change: p.Gln1500Ter; replaces glutamine 1500 with a stop codon.
Molecular consequence: nonsense.
Genome position (GRCh38, 1-based): chr11:108,292,680, C>T. VCF-style: chr11-108292680-C-T. GRCh37 (hg19) VCF-style: chr11-108163407-C-T.
Other names: c.4498C>T, p.Gln1500Ter (NM_001351834.2); short protein forms Q1500*.
Identifiers: ClinVar variation 1741003 (VCV001741003.2), dbSNP rs1591674064, ClinGen allele CA382533452.
Genomic context (GRCh38, chr11:108,292,680, plus strand): 5'-CCTTCTTGTATCATGGATGTGTCATTACGTAGCTTCTCCCTTTGTTGTGACTTATTAAGT[C>T]AGGTTTGCCAGACAGCCGTGACTTACTGTAAGGATGCTCTAGAAAACCATCTTCATGTTA-3'